The following is an entry in ClinVar:

NM_000642.3(AGL):c.3098G>T (p.Gly1033Val)

Gene: AGL (amylo-alpha-1,6-glucosidase and 4-alpha-glucanotransferase; plus strand). Cytogenetic location: 1p21.2.
Variant type: single nucleotide variant.
Coding change: c.3098G>T on transcript NM_000642.3 (MANE Select); coding-DNA position 3098, G replaced by T.
Protein change: p.Gly1033Val; replaces glycine 1033 with valine.
Molecular consequence: missense variant.
Genome position (GRCh38, 1-based): chr1:99,892,446, G>T. VCF-style: chr1-99892446-G-T. GRCh37 (hg19) VCF-style: chr1-100358002-G-T.
Other names: c.3098G>T, p.Gly1033Val (NM_000028.3, NM_000643.3, NM_000644.3 and 1 more transcripts); c.3050G>T, p.Gly1017Val (NM_000646.3); c.3077G>T, p.Gly1026Val (NM_001425326.1); c.2897G>T, p.Gly966Val (NM_001425327.1); c.2894G>T, p.Gly965Val (NM_001425328.1); c.2759G>T, p.Gly920Val (NM_001425329.1); c.2720G>T, p.Gly907Val (NM_001425332.1); short protein forms G1033V, G1017V, G1026V, G907V, G920V, G965V, G966V.
Identifiers: ClinVar variation 1365754 (VCV001365754.5), dbSNP rs1255302658, ClinGen allele CA341326518.

ClinVar aggregate classification (germline): Uncertain significance (1 of 4 stars; one submission).

Conditions:
Glycogen storage disease type III (GSD3). Also called: Cori disease; FORBES DISEASE. Identifiers: Orphanet 366, MedGen C0017922, MONDO:0009291, OMIM 232400.

gnomAD v4.1: 1 of 1,613,472 alleles (0.000062%); highest among the groups gnomAD compares: African/African-American, 0.0013%; no homozygotes.

Submission:

Labcorp Genetics (formerly Invitae), Labcorp
Classification: Uncertain significance for Glycogen storage disease type III. Last evaluated: 2021-08-14. Review status: criteria provided, single submitter. Criteria: Invitae Variant Classification Sherloc (09022015). Collection method: clinical testing. Allele origin: germline.
Comment: This sequence change replaces glycine with valine at codon 1033 of the AGL protein (p.Gly1033Val). The glycine residue is moderately conserved and there is a moderate physicochemical difference between glycine and valine. This variant is not present in population databases (ExAC no frequency). This variant has not been reported in the literature in individuals affected with AGL-related conditions. Algorithms developed to predict the effect of missense changes on protein structure and function are either unavailable or do not agree on the potential impact of this missense change (SIFT: "Tolerated"; PolyPhen-2: "Probably Damaging"; Align-GVGD: "Class C0"). In summary, the available evidence is currently insufficient to determine the role of this variant in disease. Therefore, it has been classified as a Variant of Uncertain Significance.